The following is an entry in ClinVar:

NM_000363.5(TNNI3):c.272C>T (p.Ala91Val)

Gene: TNNI3 (troponin I3, cardiac type; minus strand). Cytogenetic location: 19q13.42.
Variant type: single nucleotide variant.
Coding change: c.272C>T on transcript NM_000363.5 (MANE Select); coding-DNA position 272, C replaced by T.
Protein change: p.Ala91Val; replaces alanine 91 with valine.
Molecular consequence: missense variant.
Genome position (GRCh38, 1-based): chr19:55,156,211, G>A on the plus strand (C>T on the coding strand, the complement: TNNI3 is on the minus strand). VCF-style: chr19-55156211-G-A. GRCh37 (hg19) VCF-style: chr19-55667579-G-A.
Other names: short protein forms A91V.
Identifiers: ClinVar variation 3074408 (VCV003074408.1), dbSNP rs771678310, ClinGen allele CA050965.

ClinVar aggregate classification (germline): Uncertain significance (1 of 4 stars; one submission).

Conditions:
Hypertrophic cardiomyopathy. Also called: HYPERTROPHIC MYOCARDIOPATHY. Identifiers: Orphanet 217569, MedGen C0007194, MeSH D002312, MONDO:0005045, HP:0001639.

Allele frequency attached by ClinVar (database versions not stated): gnomAD exomes below 0.00001; ExAC 0.00001.

Submission:

All of Us Research Program, National Institutes of Health
Classification: Uncertain significance for Hypertrophic cardiomyopathy. Last evaluated: 2023-11-02. Review status: criteria provided, single submitter. Criteria: ACMG Guidelines, 2015. Collection method: clinical testing. Allele origin: germline. Inheritance: Autosomal dominant inheritance. Observed: 1 variant allele, 1 heterozygote.
Comment: This missense variant replaces alanine with valine at codon 91 of the TNNI3 protein. Computational prediction suggests that this variant may not impact protein structure and function (internally defined REVEL score threshold <= 0.5, PMID: 27666373). To our knowledge, functional studies have not been reported for this variant. This variant has not been reported in individuals affected with TNNI3-related disorders in the literature. This variant has been identified in 1/242534 chromosomes in the general population by the Genome Aggregation Database (gnomAD). The available evidence is insufficient to determine the role of this variant in disease conclusively. Therefore, this variant is classified as a Variant of Uncertain Significance.

This study involves interpretation of variants in research participants for the purpose of population health screening. Participant phenotype was not available at the time of variant classification. Additional details can be found in publication PMID: 35346344, PMCID: PMC8962531